The following is an entry in ClinVar:

NM_138420.4(AHNAK2):c.7473G>A (p.Pro2491=)

Gene: AHNAK2 (AHNAK nucleoprotein 2; minus strand). Cytogenetic location: 14q32.33.
Variant type: single nucleotide variant.
Coding change: c.7473G>A on transcript NM_138420.4 (MANE Select); coding-DNA position 7473, G replaced by A.
Protein change: p.Pro2491=; no amino-acid change (proline 2491 retained).
Molecular consequence: synonymous variant.
Genome position (GRCh38, 1-based): chr14:104,947,978, C>T on the plus strand (G>A on the coding strand, the complement: AHNAK2 is on the minus strand). VCF-style: chr14-104947978-C-T. GRCh37 (hg19) VCF-style: chr14-105414315-C-T.
Other names: c.7173G>A, p.Pro2391= (NM_001350929.2).
Identifiers: ClinVar variation 2644726 (VCV002644726.24), dbSNP rs201552208, ClinGen allele CA7380568.
Genomic context (GRCh38, chr14:104,947,978, plus strand): 5'-CGGCGCAGACACATCCACCGAGGCCTCGATGGACTTGCCTGGGGCAGACACCCCGAATGA[C>T]GGCATCTTGAACTTGGGAATTTTGAACCTGCTGTCTTTGGTAGTCACATCCTTGTCCGCC-3'
Protein context (NP_612429.2, residues 2481-2501): SRFKIPKFKM[Pro2491=]SFGVSAPGKS

ClinVar aggregate classification (germline): Likely benign (1 of 4 stars; one submission).

Allele frequency attached by ClinVar (database versions not stated): ESP Exome Variant Server 0.00097; 1000 Genomes Project 0.00140; 1000 Genomes Project 30x 0.00172.
gnomAD v4.1: 1,067 of 1,610,824 alleles (0.066%); highest among the groups gnomAD compares: African/African-American, 0.31%; 7 homozygotes.

Submission:

CeGaT Center for Human Genetics Tuebingen
Classification: Likely benign. Last evaluated: 2023-04-01. Review status: criteria provided, single submitter. Criteria: CeGaT Center For Human Genetics Tuebingen Variant Classification Criteria Version 2. Collection method: clinical testing. Allele origin: germline. Affected: yes. Observed: 1 variant allele.
Comment: AHNAK2: BP4, BP7